The following is an entry in ClinVar:

NM_002528.7(NTHL1):c.754GAG[1] (p.Glu253del)

Gene: NTHL1 (nth like DNA glycosylase 1; minus strand). Cytogenetic location: 16p13.3.
Variant type: Microsatellite.
Coding change: c.754GAG[1] on transcript NM_002528.7 (MANE Select); one copy of the 3-base unit GAG starting at c.754; the reference has two copies in a row; one copy, 3 bases deleted.
Protein change: p.Glu253del; deletes glutamic acid 253.
Molecular consequence: inframe deletion.
Genome position (GRCh38, 1-based): chr16:2,040,165-2,040,167, CTC deleted on the plus strand (GAG on the coding strand, the reverse complement: NTHL1 is on the minus strand); deleting any 3 consecutive bases within chr16:2,040,165-2,040,170 gives the same sequence; the position shown is the placement nearest the transcript's 3' end. VCF-style (leftmost placement, unchanged base first): chr16-2040164-TCTC-T. GRCh37 (hg19) VCF-style: chr16-2090165-TCTC-T.
Other names: c.583GAG[1], p.Glu196del (NM_001318193.2); c.424GAG[1], p.Glu143del (NM_001318194.2); c.757_759delGAG (NM_002528.7); c.781_783delGAG (NM_002528.5); short protein forms E196del, E253del, E143del.
Identifiers: ClinVar variation 1386360 (VCV001386360.10), dbSNP rs2150938288, ClinGen allele CA2580613366.
Genomic context (GRCh38, chr16:2,040,164, plus strand): 5'-TCCCTAGGAAGCCCCCCACATACTCATACCTAGGCAGCCACTCCTCCAGGGCGGCGCGGG[TCTC>T]CTCTGGGGACTTGGTTGCCTTCTTGGTCCACCTCAGCCTGTTGGCGATTCTGTGCACATG-3'

ClinVar aggregate classification (germline): Uncertain significance. Review status: criteria provided, multiple submitters, no conflicts (2 of 4 stars). 3 submissions from 3 submitters: Uncertain significance (3). Last evaluated 2025-07-28.

Conditions:
Hereditary cancer-predisposing syndrome. Also called: Neoplastic Syndromes, Hereditary; Tumor predisposition; Hereditary neoplastic syndrome; Hereditary Cancer Syndrome. Identifiers: Orphanet 140162, MedGen C0027672, MeSH D009386, MONDO:0015356.

Submissions (3):

Ambry Genetics
Classification: Uncertain significance for Hereditary cancer-predisposing syndrome. Last evaluated: 2025-07-28. Review status: criteria provided, single submitter. Criteria: Ambry Variant Classification Scheme 2023. Collection method: clinical testing. Allele origin: germline.
Comment: The c.781_783delGAG variant (also known as p.E261del) is located in coding exon 5 of the NTHL1 gene. This variant results from an in-frame GAG deletion at nucleotide positions 781 to 783. This results in the in-frame deletion of a glutamic acid at codon 261. This amino acid position is not well conserved in available vertebrate species. In addition, this variant is predicted to be deleterious by in silico analysis (Choi Y et al. PLoS ONE. 2012; 7(10):e46688). Based on the available evidence, the clinical significance of this variant remains unclear.

Center for Genomic Medicine, Rigshospitalet, Copenhagen University Hospital
Classification: Uncertain significance. Last evaluated: 2025-03-04. Review status: criteria provided, single submitter. Criteria: ACMG Guidelines, 2015. Collection method: clinical testing. Allele origin: germline.

Labcorp Genetics (formerly Invitae), Labcorp
Classification: Uncertain significance. Last evaluated: 2023-04-22. Review status: criteria provided, single submitter. Criteria: Invitae Variant Classification Sherloc (09022015). Collection method: clinical testing. Allele origin: germline.
Comment: In summary, the available evidence is currently insufficient to determine the role of this variant in disease. Therefore, it has been classified as a Variant of Uncertain Significance. Experimental studies and prediction algorithms are not available or were not evaluated, and the functional significance of this variant is currently unknown. This variant has not been reported in the literature in individuals affected with NTHL1-related conditions. This variant is not present in population databases (gnomAD no frequency). This variant, c.781_783del, results in the deletion of 1 amino acid(s) of the NTHL1 protein (p.Glu261del), but otherwise preserves the integrity of the reading frame.